The following is an entry in ClinVar:

NM_001282225.2(ADA2):c.1110C>A (p.Asn370Lys)

Gene: ADA2 (adenosine deaminase 2; minus strand). Cytogenetic location: 22q11.1.
Variant type: single nucleotide variant.
Coding change: c.1110C>A on transcript NM_001282225.2 (MANE Select); coding-DNA position 1110, C replaced by A.
Protein change: p.Asn370Lys; replaces asparagine 370 with lysine.
Molecular consequence: missense variant.
Genome position (GRCh38, 1-based): chr22:17,182,733, G>T on the plus strand (C>A on the coding strand, the complement: ADA2 is on the minus strand). VCF-style: chr22-17182733-G-T. GRCh37 (hg19) VCF-style: chr22-17663623-G-T.
Other names: c.1110C>A, p.Asn370Lys (NM_001282226.2); c.984C>A, p.Asn328Lys (NM_001282227.2, NM_001282228.2); c.750C>A, p.Asn250Lys (NM_001282229.2); c.387C>A, p.Asn129Lys (NM_177405.3); short protein forms N129K, N370K, N328K, N250K.
Identifiers: ClinVar variation 827684 (VCV000827684.16), dbSNP rs1489114116, ClinGen allele CA410232491.

ClinVar aggregate classification (germline): Pathogenic/Likely pathogenic. Review status: criteria provided, multiple submitters, no conflicts (2 of 4 stars). 7 submissions from 7 submitters: Pathogenic (5); Likely pathogenic (1). 1 of the submissions does not count toward it. Last evaluated 2025-05-03.

Conditions:
Inherited Immunodeficiency Diseases. Identifiers: MedGen C5197805, MeSH D000081207.
Deficiency of adenosine deaminase 2. Also called: Polyarteritis nodosa, childhoood-onset; Adenosine Deaminase 2 Deficiency; VASCULITIS, AUTOINFLAMMATION, IMMUNODEFICIENCY, AND HEMATOLOGIC DEFECTS SYNDROME. Identifiers: Orphanet 404553, MedGen C3887654, MONDO:0014306, OMIM 615688, MONDO:0100317.
Sneddon syndrome (SNDNS). Also called: LIVEDO RETICULARIS AND CEREBROVASCULAR ACCIDENTS; Idiopathic livedo reticularis with systemic involvement. Identifiers: Orphanet 820, MedGen C0282492, MONDO:0008436, OMIM 182410.

Allele frequency attached by ClinVar (database versions not stated): TOPMed 0.00002.
gnomAD v4.1: 63 of 1,613,618 alleles (0.0039%); highest among the groups gnomAD compares: Non-Finnish European, 0.0052%; no homozygotes.

Submissions (7):

Labcorp Genetics (formerly Invitae), Labcorp
Classification: Pathogenic for Deficiency of adenosine deaminase 2. Last evaluated: 2025-05-03. Review status: criteria provided, single submitter. Criteria: Invitae Variant Classification Sherloc (09022015). Collection method: clinical testing. Allele origin: germline.
Comment: This sequence change replaces asparagine, which is neutral and polar, with lysine, which is basic and polar, at codon 370 of the ADA2 protein (p.Asn370Lys). This variant is not present in population databases (gnomAD no frequency). This missense change has been observed in individual(s) with clinical features of polyarteritis nodosa (PMID: 26131734, 28974505, 32353633). In at least one individual the data is consistent with being in trans (on the opposite chromosome) from a pathogenic variant. It has also been observed to segregate with disease in related individuals. This variant is also known as c.984C>A (p.N328K). ClinVar contains an entry for this variant (Variation ID: 827684). Invitae Evidence Modeling of protein sequence and biophysical properties (such as structural, functional, and spatial information, amino acid conservation, physicochemical variation, residue mobility, and thermodynamic stability) indicates that this missense variant is expected to disrupt ADA2 protein function with a positive predictive value of 95%. For these reasons, this variant has been classified as Pathogenic.

GeneDx
Classification: Pathogenic. Last evaluated: 2025-03-25. Review status: criteria provided, single submitter. Criteria: GeneDx Variant Classification Process June 2021. Collection method: clinical testing. Allele origin: germline. Affected: yes.
Comment: Published functional studies demonstrate a damaging effect with decreased enzyme activity(PMID: 34004258); In silico analysis supports that this missense variant has a deleterious effect on protein structure/function; Not observed at significant frequency in large population cohorts (gnomAD); This variant is associated with the following publications: (PMID: 27463862, 32499645, 28974505, 34758253, 32581362, 34324127, 33144682, 32353633, 34004258, 26131734)

Women's Health and Genetics/Laboratory Corporation of America, LabCorp
Classification: Pathogenic for Deficiency of adenosine deaminase 2. Last evaluated: 2025-03-10. Review status: criteria provided, single submitter. Criteria: LabCorp Variant Classification Summary - May 2015. Collection method: clinical testing. Allele origin: germline.
Comment: Variant summary: ADA2 c.1110C>A (p.Asn370Lys) results in a non-conservative amino acid change in the encoded protein sequence. Five of five in-silico tools predict a damaging effect of the variant on protein function. The variant was absent in 251470 control chromosomes (gnomAD). c.1110C>A has been reported in the literature in multiple individuals affected with ADA2 deficiency (e.g. Gonzalez_2015, Hashem_2017, Staples_2020). These data indicate that the variant is very likely to be associated with disease. At least one publication reports experimental evidence evaluating an impact on protein function. The most pronounced variant effect results in <10% of normal activity (Jee_2022). The following publications have been ascertained in the context of this evaluation (PMID: 26131734, 28974505, 32353633, 34004258). ClinVar contains an entry for this variant (Variation ID: 827684). Based on the evidence outlined above, the variant was classified as pathogenic.

Fulgent Genetics
Classification: Pathogenic for Sneddon syndrome; Deficiency of adenosine deaminase 2. Last evaluated: 2022-04-20. Review status: criteria provided, single submitter. Criteria: ACMG Guidelines, 2015. Collection method: clinical testing. Allele origin: unknown.

Baylor Genetics
Classification: Pathogenic for Deficiency of adenosine deaminase 2. Last evaluated: 2020-11-13. Review status: criteria provided, single submitter. Criteria: ACMG Guidelines, 2015. Collection method: clinical testing. Allele origin: unknown. Affected: yes.
Comment: This variant was determined to be pathogenic according to ACMG Guidelines, 2015 [PMID:25741868].

NIHR Bioresource Rare Diseases, University of Cambridge
Classification: Likely pathogenic for Inherited Immunodeficiency Diseases. Last evaluated: 2019-01-01. Review status: criteria provided, single submitter. Criteria: ACMG Guidelines, 2015. Collection method: research. Allele origin: germline. Affected: yes. Observed: 1 heterozygote.

Genomics England Pilot Project, Genomics England
Classification: Likely pathogenic for Deficiency of adenosine deaminase 2. Review status: no assertion criteria provided. Criteria: ACGS Guidelines, 2016. Collection method: clinical testing. Allele origin: germline. Affected: yes. Not counted in ClinVar's aggregate classification.

Literature cited by the submitters: PubMed 26131734 (cited by Labcorp Genetics (formerly Invitae), Labcorp and Women's Health and Genetics/Laboratory Corporation of America, LabCorp); PubMed 28974505 (cited by Labcorp Genetics (formerly Invitae), Labcorp and Women's Health and Genetics/Laboratory Corporation of America, LabCorp); PubMed 32353633 (cited by Labcorp Genetics (formerly Invitae), Labcorp and Women's Health and Genetics/Laboratory Corporation of America, LabCorp); PubMed 34004258 (cited by Women's Health and Genetics/Laboratory Corporation of America, LabCorp).